The following is an entry in ClinVar:

NM_032977.4(CASP10):c.*367G>C

Gene: CASP10 (caspase 10; plus strand). Cytogenetic location: 2q33.1.
Variant type: single nucleotide variant.
Coding change: c.*367G>C on transcript NM_032977.4 (MANE Select); 367 bases downstream of the stop codon, G replaced by C.
Molecular consequence: 3 prime UTR variant. On other transcripts: intron variant (2).
Genome position (GRCh38, 1-based): chr2:201,218,108, G>C. VCF-style: chr2-201218108-G-C. GRCh37 (hg19) VCF-style: chr2-202082831-G-C.
Other names: c.*367G>C (NM_001206524.2, NM_001230.5); c.*1022G>C (NM_032976.4); c.1415+8546G>C (NM_032974.5); c.1286+8546G>C (NM_001206542.2).
Identifiers: ClinVar variation 896889 (VCV000896889.4), dbSNP rs41365346, ClinGen allele CA63872288.
Genomic context (GRCh38, chr2:201,218,108, plus strand): 5'-GGACCACAGGTGTGTACCACCGTGCCCGGATTTTTTTTATTCTTTATTTTTTGTAGAGAT[G>C]GAGGGATCTCACTTTGTTGCACAGGCTGGTTTCAAACTCCTAGGCCCAAGTGATCCTCCC-3'

ClinVar aggregate classification (germline): Benign (1 of 4 stars; one submission).

Conditions:
Autoimmune lymphoproliferative syndrome type 2A (ALPS2A). Also called: Autoimmune lymphoproliferative syndrome type 2; CASP10-Related Autoimmune Lymphoproliferative Syndrome; AUTOIMMUNE LYMPHOPROLIFERATIVE SYNDROME, TYPE IIA. Identifiers: Orphanet 3261, MedGen C1858968, MONDO:0011383, OMIM 603909.

Allele frequency attached by ClinVar (database versions not stated): gnomAD exomes 0.00101; gnomAD 0.01299 and 0.01382; TOPMed 0.01520; 1000 Genomes Project 30x 0.01749; 1000 Genomes Project 0.01757.
gnomAD v4.1: 2,569 of 754,344 alleles (0.34%); highest among the groups gnomAD compares: African/African-American, 4.4%; 58 homozygotes.

Submission:

Illumina Laboratory Services, Illumina
Classification: Benign for Autoimmune lymphoproliferative syndrome type 2A. Last evaluated: 2018-01-13. Review status: criteria provided, single submitter. Criteria: ICSL Variant Classification Criteria 13 December 2019. Collection method: clinical testing. Allele origin: germline.
Comment: This variant was observed in the ICSL laboratory as part of a predisposition screen in an ostensibly healthy population. It had not been previously curated by ICSL or reported in the Human Gene Mutation Database (HGMD: prior to June 1st, 2018), and was therefore a candidate for classification through an automated scoring system. Utilizing variant allele frequency, disease prevalence and penetrance estimates, and inheritance mode, an automated score was calculated to assess if this variant is too frequent to cause the disease. Based on the score and internal cut-off values, a variant classified as benign is not then subjected to further curation. The score for this variant resulted in a classification of benign for this disease.